The following is an entry in ClinVar:

NM_001953.5(TYMP):c.1282G>A (p.Gly428Ser)

Genes: SCO2 (synthesis of cytochrome C oxidase 2; minus strand), TYMP (thymidine phosphorylase; minus strand), LOC130067862 (ATAC-STARR-seq lymphoblastoid silent region 13986; plus strand). Cytogenetic location: 22q13.33.
Variant type: single nucleotide variant.
Coding change: c.1282G>A on transcript NM_001953.5 (MANE Select); coding-DNA position 1282, G replaced by A.
Protein change: p.Gly428Ser; replaces glycine 428 with serine.
Molecular consequence: missense variant. On other transcripts: 5 prime UTR variant (1), intron variant (1).
Genome position (GRCh38, 1-based): chr22:50,526,019, C>T on the plus strand (G>A on the coding strand, the complement: TYMP is on the minus strand). VCF-style: chr22-50526019-C-T. GRCh37 (hg19) VCF-style: chr22-50964448-C-T.
Other names: Gly>Ser; c.1282G>A, p.Gly428Ser (NM_001113755.3, NM_001113756.3, NM_001257988.1); c.1297G>A, p.Gly433Ser (NM_001257989.1); c.-32G>A (NM_001169110.1); c.-14+227G>A (NM_001169109.2); short protein forms G428S, G433S.
Identifiers: ClinVar variation 223055 (VCV000223055.7), dbSNP rs1064792874, ClinGen allele CA16616797.

ClinVar aggregate classification (germline): Likely pathogenic. Review status: criteria provided, single submitter (1 of 4 stars). 2 submissions from 2 submitters: Likely pathogenic (1). 1 of the submissions does not count toward it. Last evaluated 2022-10-12.

Conditions:
Mitochondrial DNA depletion syndrome 1. Also called: Mitochondrial neurogastrointestinal encephalomyopathy syndrome; POLIP SYNDROME; POLYNEUROPATHY, OPHTHALMOPLEGIA, LEUKOENCEPHALOPATHY, AND INTESTINAL PSEUDOOBSTRUCTION; Mitochondrial DNA Depletion Syndrome, MNGIE Form; Mitochondrial Neurogastrointestinal Encephalopathy Disease; MITOCHONDRIAL NEUROGASTROINTESTINAL ENCEPHALOPATHY SYNDROME, TYMP-RELATED. Identifiers: Orphanet 298, MedGen C4551995, MONDO:0011283, OMIM 603041.

Submissions (2):

Labcorp Genetics (formerly Invitae), Labcorp
Classification: Likely pathogenic. Last evaluated: 2022-10-12. Review status: criteria provided, single submitter. Criteria: Invitae Variant Classification Sherloc (09022015). Collection method: clinical testing. Allele origin: germline.
Comment: This sequence change replaces glycine, which is neutral and non-polar, with serine, which is neutral and polar, at codon 428 of the TYMP protein (p.Gly428Ser). This variant is not present in population databases (gnomAD no frequency). This missense change has been observed in individual(s) with TYMP-related conditions (PMID: 14720311). This variant is also known as G3990A. ClinVar contains an entry for this variant (Variation ID: 223055). Advanced modeling of protein sequence and biophysical properties (such as structural, functional, and spatial information, amino acid conservation, physicochemical variation, residue mobility, and thermodynamic stability) has been performed at Invitae for this missense variant, however the output from this modeling did not meet the statistical confidence thresholds required to predict the impact of this variant on TYMP protein function. Algorithms developed to predict the effect of sequence changes on RNA splicing suggest that this variant may create or strengthen a splice site. This variant disrupts the p.Gly428 amino acid residue in TYMP. Other variant(s) that disrupt this residue have been observed in individuals with TYMP-related conditions (PMID: 31885962), which suggests that this may be a clinically significant amino acid residue. In summary, the currently available evidence indicates that the variant is pathogenic, but additional data are needed to prove that conclusively. Therefore, this variant has been classified as Likely Pathogenic.

GeneReviews
Classification: Pathogenic for Mitochondrial DNA depletion syndrome 1. Last evaluated: 2016-01-14. Review status: no assertion criteria provided. Collection method: literature only. Allele origin: germline. Affected: yes. Not counted in ClinVar's aggregate classification.

Literature cited by the submitters: PubMed 14720311 (cited by Labcorp Genetics (formerly Invitae), Labcorp and GeneReviews); PubMed 31885962 (cited by Labcorp Genetics (formerly Invitae), Labcorp).